The following is an entry in ClinVar:

NM_000539.3(RHO):c.749T>C (p.Val250Ala)

Gene: RHO (rhodopsin; plus strand). Cytogenetic location: 3q22.1.
Variant type: single nucleotide variant.
Coding change: c.749T>C on transcript NM_000539.3 (MANE Select); coding-DNA position 749, T replaced by C.
Protein change: p.Val250Ala; replaces valine 250 with alanine.
Molecular consequence: missense variant.
Genome position (GRCh38, 1-based): chr3:129,532,585, T>C. VCF-style: chr3-129532585-T-C. GRCh37 (hg19) VCF-style: chr3-129251428-T-C.
Other names: short protein forms V250A.
Identifiers: ClinVar variation 1476291 (VCV001476291.6), dbSNP rs765519035, ClinGen allele CA2607280.

ClinVar aggregate classification (germline): Uncertain significance (1 of 4 stars; one submission).

Allele frequency attached by ClinVar (database versions not stated): ExAC 0.00001.
gnomAD v4.1: 23 of 1,614,020 alleles (0.0014%); highest among the groups gnomAD compares: Non-Finnish European, 0.0019%; no homozygotes.

Submission:

Labcorp Genetics (formerly Invitae), Labcorp
Classification: Uncertain significance. Last evaluated: 2021-08-07. Review status: criteria provided, single submitter. Criteria: Invitae Variant Classification Sherloc (09022015). Collection method: clinical testing. Allele origin: germline.
Comment: In summary, the available evidence is currently insufficient to determine the role of this variant in disease. Therefore, it has been classified as a Variant of Uncertain Significance. Experimental studies have shown that this missense change affects RHO function (PMID: 7836439). Advanced modeling of protein sequence and biophysical properties (such as structural, functional, and spatial information, amino acid conservation, physicochemical variation, residue mobility, and thermodynamic stability) performed at Invitae indicates that this missense variant is expected to disrupt RHO protein function. This variant has not been reported in the literature in individuals affected with RHO-related conditions. This variant is present in population databases (rs765519035, ExAC 0.001%). This sequence change replaces valine with alanine at codon 250 of the RHO protein (p.Val250Ala). The valine residue is highly conserved and there is a small physicochemical difference between valine and alanine.

Literature cited by the submitters: PubMed 7836439.